The following is an entry in ClinVar:

ClinVar aggregate classification (germline): Uncertain significance. Review status: criteria provided, multiple submitters, no conflicts (2 of 4 stars). 2 submissions from 2 submitters: Uncertain significance (2). Last evaluated 2023-06-24.

Conditions:
Early-infantile DEE. Also called: Early infantile epileptic encephalopathy with suppression bursts; Early infantile epileptic encephalopathy; Ohtahara syndrome. Identifiers: Orphanet 1934, MedGen C0393706, MONDO:0800491.

Submissions (2):

Labcorp Genetics (formerly Invitae), Labcorp
Classification: Uncertain significance for Early-infantile DEE. Last evaluated: 2023-06-24. Review status: criteria provided, single submitter. Criteria: Invitae Variant Classification Sherloc (09022015). Collection method: clinical testing. Allele origin: germline.
Comment: In summary, the available evidence is currently insufficient to determine the role of this variant in disease. Therefore, it has been classified as a Variant of Uncertain Significance. Advanced modeling of protein sequence and biophysical properties (such as structural, functional, and spatial information, amino acid conservation, physicochemical variation, residue mobility, and thermodynamic stability) has been performed at Invitae for this missense variant, however the output from this modeling did not meet the statistical confidence thresholds required to predict the impact of this variant on SPTAN1 protein function. ClinVar contains an entry for this variant (Variation ID: 1704721). This variant has not been reported in the literature in individuals affected with SPTAN1-related conditions. This variant is not present in population databases (gnomAD no frequency). This sequence change replaces serine, which is neutral and polar, with phenylalanine, which is neutral and non-polar, at codon 1995 of the SPTAN1 protein (p.Ser1995Phe).

GeneDx
Classification: Uncertain significance. Last evaluated: 2022-03-10. Review status: criteria provided, single submitter. Criteria: GeneDx Variant Classification Process June 2021. Collection method: clinical testing. Allele origin: germline. Affected: yes.
Comment: Not observed at significant frequency in large population cohorts (gnomAD); In silico analysis supports that this missense variant has a deleterious effect on protein structure/function; Has not been previously published as pathogenic or benign to our knowledge

NM_001130438.3(SPTAN1):c.5984C>T (p.Ser1995Phe)

Gene: SPTAN1 (spectrin alpha, non-erythrocytic 1; plus strand). Cytogenetic location: 9q34.11.
Variant type: single nucleotide variant.
Coding change: c.5984C>T on transcript NM_001130438.3 (MANE Select); coding-DNA position 5984, C replaced by T.
Protein change: p.Ser1995Phe; replaces serine 1995 with phenylalanine.
Molecular consequence: missense variant.
Genome position (GRCh38, 1-based): chr9:128,624,479, C>T. VCF-style: chr9-128624479-C-T. GRCh37 (hg19) VCF-style: chr9-131386758-C-T.
Other names: c.5909C>T, p.Ser1970Phe (NM_001195532.2); c.5984C>T, p.Ser1995Phe (NM_001363759.2, NM_001375310.1, NM_001375311.2 and 1 more transcripts); c.5924C>T, p.Ser1975Phe (NM_001363765.2, NM_001375314.2); c.6020C>T, p.Ser2007Phe (NM_001375312.2, NM_001375318.1); c.5969C>T, p.Ser1990Phe (NM_003127.4); short protein forms S1970F, S1975F, S1990F, S1995F, S2007F.
Identifiers: ClinVar variation 1704721 (VCV001704721.5), dbSNP rs2542145900, ClinGen allele CA375083373.